The following is an entry in ClinVar:

ClinVar aggregate classification (germline): Likely pathogenic (1 of 4 stars; one submission).

Submission:

GeneDx
Classification: Likely pathogenic. Last evaluated: 2023-03-28. Review status: criteria provided, single submitter. Criteria: GeneDx Variant Classification Process June 2021. Collection method: clinical testing. Allele origin: germline. Affected: yes.
Comment: Nonsense variant predicted to result in protein truncation or nonsense mediated decay in a gene for which loss of function is a known mechanism of disease; Not observed at significant frequency in large population cohorts (gnomAD); Has not been previously published as pathogenic or benign to our knowledge

NM_003590.5(CUL3):c.706_709del (p.Lys235_Lys236insTer)

Gene: CUL3 (cullin 3; minus strand). Cytogenetic location: 2q36.2.
Variant type: Microsatellite.
Coding change: c.706_709del on transcript NM_003590.5 (MANE Select); coding-DNA positions 706 to 709, 4 bases deleted (AAAG; older notation c.706_709delAAAG).
Protein change: p.Lys235_Lys236insTer.
Molecular consequence: nonsense.
Genome position (GRCh38, 1-based): chr2:224,511,528-224,511,531, CTTT deleted on the plus strand (AAAG on the coding strand, the reverse complement: CUL3 is on the minus strand); deleting any 4 consecutive bases within chr2:224,511,528-224,511,535 gives the same sequence; the c. name uses the placement nearest the transcript's 3' end. VCF-style (leftmost placement, unchanged base first): chr2-224511527-ACTTT-A. GRCh37 (hg19) VCF-style: chr2-225376244-ACTTT-A.
Other names: c.508_511del, p.Lys169_Lys170insTer (NM_001257197.2); c.724_727del, p.Lys241_Lys242insTer (NM_001257198.2).
Identifiers: ClinVar variation 2582088 (VCV002582088.1), dbSNP rs2469996142, ClinGen allele CA2582342139.